The following is an entry in ClinVar:

NM_001876.4(CPT1A):c.1386del (p.Phe462fs)

Gene: CPT1A (carnitine palmitoyltransferase 1A; minus strand). Cytogenetic location: 11q13.3.
Variant type: Deletion.
Coding change: c.1386del on transcript NM_001876.4 (MANE Select); coding-DNA position 1386, one base deleted (C; older notation c.1386delC).
Protein change: p.Phe462fs; shifts the reading frame from phenylalanine 462.
Molecular consequence: frameshift variant.
Genome position (GRCh38, 1-based): chr11:68,780,712, G deleted on the plus strand (C on the coding strand, the reverse complement: CPT1A is on the minus strand). VCF-style (leftmost placement, unchanged base first): chr11-68780711-TG-T. GRCh37 (hg19) VCF-style: chr11-68548179-TG-T.
Other names: c.1386del, p.Phe462fs (NM_001031847.3); short protein forms F462fs.
Identifiers: ClinVar variation 371065 (VCV000371065.10), dbSNP rs753776604, ClinGen allele CA6152316.
Genomic context (GRCh38, chr11:68,780,711, plus strand): 5'-GGGCCACGATCGGCGCATCTGCCCAGGAGTGTTCAGCGTTGAGGCCCATCTTCCCGTTTT[TG>T]AAGACAACAAACGTGAACGACTTGTCAAACCACCTACGTGAAACACACATGTGTGGAACT-3'

ClinVar aggregate classification (germline): Pathogenic. Review status: criteria provided, single submitter (1 of 4 stars). 2 submissions from 2 submitters: Pathogenic (1). 1 of the submissions does not count toward it. Last evaluated 2022-09-01.

Conditions:
Carnitine palmitoyl transferase 1A deficiency. Also called: CPT I DEFICIENCY; CPT DEFICIENCY, HEPATIC, TYPE I; CPT deficiency, hepatic, type IA; Carnitine palmitoyltransferase type I deficiency; Carnitine palmitoyltransferase 1A deficiency. Identifiers: Orphanet 156, MedGen C1829703, MONDO:0009705, OMIM 255120.

Allele frequency attached by ClinVar (database versions not stated): gnomAD exomes below 0.00001; ExAC 0.00001; TOPMed 0.00001; gnomAD 0.00002.

Submissions (2):

Labcorp Genetics (formerly Invitae), Labcorp
Classification: Pathogenic for Carnitine palmitoyl transferase 1A deficiency. Last evaluated: 2022-09-01. Review status: criteria provided, single submitter. Criteria: Invitae Variant Classification Sherloc (09022015). Collection method: clinical testing. Allele origin: germline.
Comment: For these reasons, this variant has been classified as Pathogenic. ClinVar contains an entry for this variant (Variation ID: 371065). This variant has not been reported in the literature in individuals affected with CPT1A-related conditions. This variant is present in population databases (rs753776604, gnomAD 0.0009%). This sequence change creates a premature translational stop signal (p.Phe462Leufs*69) in the CPT1A gene. It is expected to result in an absent or disrupted protein product. Loss-of-function variants in CPT1A are known to be pathogenic (PMID: 16169268).

Counsyl
Classification: Likely pathogenic for Carnitine palmitoyl transferase 1A deficiency. Last evaluated: 2016-06-21. Review status: no assertion criteria provided. Collection method: clinical testing. Allele origin: unknown. Not counted in ClinVar's aggregate classification.

Literature cited by the submitters: PubMed 16169268 (cited by Labcorp Genetics (formerly Invitae), Labcorp).